The following is an entry in ClinVar:

ClinVar aggregate classification (germline): Likely pathogenic. Review status: criteria provided, multiple submitters, no conflicts (2 of 4 stars). 2 submissions from 2 submitters: Likely pathogenic (2). Last evaluated 2021-10-02.

Conditions:
Hypotonia, ataxia, and delayed development syndrome (HADDS). Also called: EBF3 Neurodevelopmental Disorder. Identifiers: Orphanet 658843, MedGen C4310618, MONDO:0015021, OMIM 617330.

Submissions (2):

3billion
Classification: Likely pathogenic for Hypotonia, ataxia, and delayed development syndrome. Last evaluated: 2021-10-02. Review status: criteria provided, single submitter. Criteria: ACMG Guidelines, 2015. Collection method: clinical testing. Allele origin: germline. Affected: yes. Observed: 1 heterozygote.
Comment: The missense variant is located in a mutational hot spot and/or well-established functional domain in which established pathogenic variants have been reported (PM1). It is not observed in the gnomAD v2.1.1 dataset (PM2). The variant was observed as assumed (i.e. paternity and maternity not confirmed) de novoo (3billion dataset, PM6). Therefore, this variant is classified as likely pathogenic according to the recommendation of ACMG/AMP guideline.

Suma Genomics
Classification: Likely pathogenic for Hypotonia, ataxia, and delayed development syndrome. Review status: criteria provided, single submitter. Criteria: ACMG Guidelines, 2015. Collection method: clinical testing. Allele origin: de novo. Inheritance: Autosomal dominant inheritance. Affected: yes.

NM_001375380.1(EBF3):c.589A>G (p.Asn197Asp)

Gene: EBF3 (EBF transcription factor 3; minus strand). Cytogenetic location: 10q26.3.
Variant type: single nucleotide variant.
Coding change: c.589A>G on transcript NM_001375380.1 (MANE Select); coding-DNA position 589, A replaced by G.
Protein change: p.Asn197Asp; replaces asparagine 197 with aspartic acid.
Molecular consequence: missense variant.
Genome position (GRCh38, 1-based): chr10:129,877,815, T>C on the plus strand (A>G on the coding strand, the complement: EBF3 is on the minus strand). VCF-style: chr10-129877815-T-C. GRCh37 (hg19) VCF-style: chr10-131676079-T-C.
Other names: c.589A>G, p.Asn197Asp (NM_001005463.3, NM_001375379.1, NM_001375389.1 and 3 more transcripts); c.589A>G (NM_001005463.2); short protein forms N197D.
Identifiers: ClinVar variation 1236204 (VCV001236204.2), dbSNP rs2134129845, ClinGen allele CA378910327.